The following is an entry in ClinVar:

ClinVar aggregate classification (germline): Uncertain significance (1 of 4 stars; one submission).

Submission:

Labcorp Genetics (formerly Invitae), Labcorp
Classification: Uncertain significance. Last evaluated: 2023-06-09. Review status: criteria provided, single submitter. Criteria: Invitae Variant Classification Sherloc (09022015). Collection method: clinical testing. Allele origin: germline.
Comment: This variant has not been reported in the literature in individuals affected with KCNH1-related conditions. In summary, the available evidence is currently insufficient to determine the role of this variant in disease. Therefore, it has been classified as a Variant of Uncertain Significance. ClinVar contains an entry for this variant (Variation ID: 1929528). This variant is not present in population databases (gnomAD no frequency). This sequence change creates a premature translational stop signal (p.Thr2Asnfs*26) in the KCNH1 gene. It is expected to result in an absent or disrupted protein product. However, the current clinical and genetic evidence is not sufficient to establish whether loss-of-function variants in KCNH1 cause disease.

NM_172362.3(KCNH1):c.4dup (p.Thr2fs)

Gene: KCNH1 (potassium voltage-gated channel subfamily H member 1; minus strand). Cytogenetic location: 1q32.2.
Variant type: Duplication.
Coding change: c.4dup on transcript NM_172362.3 (MANE Select); coding-DNA position 4, one base duplicated (A; older notation c.4dupA).
Protein change: p.Thr2fs; shifts the reading frame from threonine 2.
Molecular consequence: frameshift variant.
Genome position (GRCh38, 1-based): chr1:211,133,942, T duplicated on the plus strand (A on the coding strand, the reverse complement: KCNH1 is on the minus strand). VCF-style (leftmost placement, unchanged base first): chr1-211133941-G-GT. GRCh37 (hg19) VCF-style: chr1-211307283-G-GT.
Other names: c.4dup, p.Thr2fs (NM_002238.4); short protein forms T2fs.
Identifiers: ClinVar variation 1929528 (VCV001929528.5), dbSNP rs2526917421, ClinGen allele CA2580062018.
Genomic context (GRCh38, chr1:211,133,941, plus strand): 5'-ACAATATTCTCCAGAAACGTGTTTTGAGGGGCCACTAGTCCCCTCCTGCCCCCAGCCATG[G>GT]TCATCCTCCCAGCAGCTCGGGGTCCGGCGGGCGTCCTGGCGCGGCTTCTTACGACAGCAG-3'